The following is an entry in ClinVar:

ClinVar aggregate classification (germline): Uncertain significance (1 of 4 stars; one submission).

Conditions:
Catecholaminergic polymorphic ventricular tachycardia 1. Also called: VENTRICULAR TACHYCARDIA, CATECHOLAMINERGIC POLYMORPHIC, 1, WITH OR WITHOUT ATRIAL DYSFUNCTION AND/OR DILATED CARDIOMYOPATHY; RYR2-Related Catecholaminergic Polymorphic Ventricular Tachycardia; VENTRICULAR TACHYCARDIA, STRESS-INDUCED POLYMORPHIC 1. Identifiers: Orphanet 3286, MedGen C1631597, MONDO:0011484, OMIM 604772.

Allele frequency attached by ClinVar (database versions not stated): gnomAD exomes below 0.00001 and 0.00002; TOPMed below 0.00001; ExAC 0.00002.
gnomAD v4.1: 6 of 1,613,932 alleles (0.00037%); highest among the groups gnomAD compares: Admixed American, 0.0017%; no homozygotes.

Submission:

Labcorp Genetics (formerly Invitae), Labcorp
Classification: Uncertain significance for Catecholaminergic polymorphic ventricular tachycardia 1. Last evaluated: 2024-11-04. Review status: criteria provided, single submitter. Criteria: Invitae Variant Classification Sherloc (09022015). Collection method: clinical testing. Allele origin: germline.
Comment: This sequence change replaces leucine, which is neutral and non-polar, with histidine, which is basic and polar, at codon 3214 of the RYR2 protein (p.Leu3214His). This variant is present in population databases (rs752385143, gnomAD 0.006%). This variant has not been reported in the literature in individuals affected with RYR2-related conditions. ClinVar contains an entry for this variant (Variation ID: 532343). Invitae Evidence Modeling of protein sequence and biophysical properties (such as structural, functional, and spatial information, amino acid conservation, physicochemical variation, residue mobility, and thermodynamic stability) has been performed for this missense variant. However, the output from this modeling did not meet the statistical confidence thresholds required to predict the impact of this variant on RYR2 protein function. In summary, the available evidence is currently insufficient to determine the role of this variant in disease. Therefore, it has been classified as a Variant of Uncertain Significance.

NM_001035.3(RYR2):c.9641T>A (p.Leu3214His)

Gene: RYR2 (ryanodine receptor 2; plus strand). Cytogenetic location: 1q43.
Variant type: single nucleotide variant.
Coding change: c.9641T>A on transcript NM_001035.3 (MANE Select); coding-DNA position 9641, T replaced by A.
Protein change: p.Leu3214His; replaces leucine 3214 with histidine.
Molecular consequence: missense variant.
Genome position (GRCh38, 1-based): chr1:237,707,009, T>A. VCF-style: chr1-237707009-T-A. GRCh37 (hg19) VCF-style: chr1-237870309-T-A.
Other names: c.9641T>A, p.Leu3214His (LRG_402t1); short protein forms L3214H.
Identifiers: ClinVar variation 532343 (VCV000532343.7), dbSNP rs752385143, ClinGen allele CA087937.